The following is an entry in ClinVar:

ClinVar aggregate classification (germline): Uncertain significance. Review status: criteria provided, multiple submitters, no conflicts (2 of 4 stars). 2 submissions from 2 submitters: Uncertain significance (2). Last evaluated 2026-07-13.

Conditions:
Hereditary cancer-predisposing syndrome. Also called: Tumor predisposition; Hereditary neoplastic syndrome; Hereditary Cancer Syndrome; Neoplastic Syndromes, Hereditary. Identifiers: Orphanet 140162, MedGen C0027672, MeSH D009386, MONDO:0015356.
Retinoblastoma (RB1). Also called: RETINOBLASTOMA, SOMATIC. Identifiers: Orphanet 790, MedGen C0035335, MeSH D012175, MONDO:0008380, OMIM 180200, HP:0009919. Disease mechanism: loss of function. Inheritance: Both sporadic and heritable forms are tested..

Submissions (2):

Ambry Genetics
Classification: Uncertain significance for Hereditary cancer-predisposing syndrome. Last evaluated: 2026-07-13. Review status: criteria provided, single submitter. Criteria: Ambry Variant Classification Scheme 2023. Collection method: clinical testing. Allele origin: germline.
Comment: The p.P776T variant (also known as c.2326C>A) is located in coding exon 23 of the RB1 gene. The proline at codon 776 is replaced by threonine, an amino acid with highly similar properties. This change occurs in the first base pair of coding exon 23. This amino acid position is conserved. In addition, the in silico prediction for this alteration is inconclusive. Based on the available evidence, the clinical significance of this variant remains unclear.

Labcorp Genetics (formerly Invitae), Labcorp
Classification: Uncertain significance for Retinoblastoma. Last evaluated: 2024-04-04. Review status: criteria provided, single submitter. Criteria: Invitae Variant Classification Sherloc (09022015). Collection method: clinical testing. Allele origin: germline.
Comment: This sequence change replaces proline, which is neutral and non-polar, with threonine, which is neutral and polar, at codon 776 of the RB1 protein (p.Pro776Thr). This variant is not present in population databases (gnomAD no frequency). This variant has not been reported in the literature in individuals affected with RB1-related conditions. An algorithm developed to predict the effect of missense changes on protein structure and function (PolyPhen-2) suggests that this variant is likely to be disruptive. In summary, the available evidence is currently insufficient to determine the role of this variant in disease. Therefore, it has been classified as a Variant of Uncertain Significance.

NM_000321.3(RB1):c.2326C>A (p.Pro776Thr)

Gene: RB1 (RB transcriptional corepressor 1; plus strand). Cytogenetic location: 13q14.2.
Variant type: single nucleotide variant.
Coding change: c.2326C>A on transcript NM_000321.3 (MANE Select); coding-DNA position 2326, C replaced by A.
Protein change: p.Pro776Thr; replaces proline 776 with threonine.
Molecular consequence: missense variant.
Genome position (GRCh38, 1-based): chr13:48,465,205, C>A. VCF-style: chr13-48465205-C-A. GRCh37 (hg19) VCF-style: chr13-49039341-C-A.
Other names: c.2326C>A, p.Pro776Thr (NM_001407165.1); short protein forms P776T.
Identifiers: ClinVar variation 3716529 (VCV003716529.3).